The following is an entry in ClinVar:

NM_023077.3(COA7):c.124G>T (p.Asp42Tyr)

Gene: COA7 (cytochrome c oxidase assembly factor 7; minus strand). Cytogenetic location: 1p32.3.
Variant type: single nucleotide variant.
Coding change: c.124G>T on transcript NM_023077.3 (MANE Select); coding-DNA position 124, G replaced by T.
Protein change: p.Asp42Tyr; replaces aspartic acid 42 with tyrosine.
Molecular consequence: missense variant.
Genome position (GRCh38, 1-based): chr1:52,692,850, C>A on the plus strand (G>T on the coding strand, the complement: COA7 is on the minus strand). VCF-style: chr1-52692850-C-A. GRCh37 (hg19) VCF-style: chr1-53158522-C-A.
Other names: short protein forms D42Y.
Identifiers: ClinVar variation 1960790 (VCV001960790.4), dbSNP rs775572801, ClinGen allele CA855731.
Genomic context (GRCh38, chr1:52,692,850, plus strand): 5'-AGTTAAACTTCAACACCTTGGCAGCCTCATCAAAATTCTTCCGGATCCCTTCCAAATAGT[C>A]CACCAGCCGATAGCAACCTGCGAGAAGAGGGCAAGGGTTGTTCTTCATGTCTGGGGCTGC-3'
Protein context (NP_075565.2, residues 32-52): KDPDGCYRLV[Asp42Tyr]YLEGIRKNFD

ClinVar aggregate classification (germline): Uncertain significance (1 of 4 stars; one submission).

Allele frequency attached by ClinVar (database versions not stated): ExAC 0.00001.
gnomAD v4.1: 2 of 1,614,106 alleles (0.00012%); highest among the groups gnomAD compares: Admixed American, 0.0017%; no homozygotes.

Submission:

Labcorp Genetics (formerly Invitae), Labcorp
Classification: Uncertain significance. Last evaluated: 2024-10-15. Review status: criteria provided, single submitter. Criteria: Invitae Variant Classification Sherloc (09022015). Collection method: clinical testing. Allele origin: germline.
Comment: This sequence change replaces aspartic acid, which is acidic and polar, with tyrosine, which is neutral and polar, at codon 42 of the COA7 protein (p.Asp42Tyr). This variant is not present in population databases (gnomAD no frequency). This variant has not been reported in the literature in individuals affected with COA7-related conditions. ClinVar contains an entry for this variant (Variation ID: 1960790). An algorithm developed to predict the effect of missense changes on protein structure and function (PolyPhen-2) suggests that this variant is likely to be disruptive. In summary, the available evidence is currently insufficient to determine the role of this variant in disease. Therefore, it has been classified as a Variant of Uncertain Significance.